The following is an entry in ClinVar:

ClinVar aggregate classification (germline): Uncertain significance (1 of 4 stars; one submission).

Conditions:
Developmental and epileptic encephalopathy, 53. Also called: Epileptic encephalopathy, early infantile, 53. Identifiers: MedGen C4479313, MONDO:0033362, OMIM 617389.
Early-onset Parkinson disease 20. Also called: PARKINSON DISEASE 20, AUTOSOMAL RECESSIVE EARLY-ONSET. Identifiers: Orphanet 391411, MedGen C3809824, MONDO:0014233, OMIM 615530.

Submission:

Labcorp Genetics (formerly Invitae), Labcorp
Classification: Uncertain significance for Developmental and epileptic encephalopathy, 53; Early-onset Parkinson disease 20. Last evaluated: 2021-12-19. Review status: criteria provided, single submitter. Criteria: Invitae Variant Classification Sherloc (09022015). Collection method: clinical testing. Allele origin: germline.
Comment: In summary, the available evidence is currently insufficient to determine the role of this variant in disease. Therefore, it has been classified as a Variant of Uncertain Significance. Algorithms developed to predict the effect of missense changes on protein structure and function are either unavailable or do not agree on the potential impact of this missense change (SIFT: "Tolerated"; PolyPhen-2: "Possibly Damaging"; Align-GVGD: "Class C0"). This variant has not been reported in the literature in individuals affected with SYNJ1-related conditions. This variant is not present in population databases (gnomAD no frequency). This sequence change replaces glycine, which is neutral and non-polar, with aspartic acid, which is acidic and polar, at codon 1272 of the SYNJ1 protein (p.Gly1272Asp).

NM_203446.3(SYNJ1):c.3698G>A (p.Gly1233Asp)

Gene: SYNJ1 (synaptojanin 1; minus strand). Cytogenetic location: 21q22.11.
Variant type: single nucleotide variant.
Coding change: c.3698G>A on transcript NM_203446.3 (MANE Select); coding-DNA position 3698, G replaced by A.
Protein change: p.Gly1233Asp; replaces glycine 1233 with aspartic acid.
Molecular consequence: missense variant.
Genome position (GRCh38, 1-based): chr21:32,639,125, C>T on the plus strand (G>A on the coding strand, the complement: SYNJ1 is on the minus strand). VCF-style: chr21-32639125-C-T. GRCh37 (hg19) VCF-style: chr21-34011435-C-T.
Other names: c.3650G>A, p.Gly1217Asp (NM_001160302.2); c.3557G>A, p.Gly1186Asp (NM_001160306.2); c.3815G>A, p.Gly1272Asp (NM_003895.4); short protein forms G1217D, G1272D, G1233D, G1186D.
Identifiers: ClinVar variation 2161743 (VCV002161743.4), dbSNP rs2517358006, ClinGen allele CA410087463.